The following is an entry in ClinVar:

ClinVar aggregate classification (germline): Uncertain significance (1 of 4 stars; one submission).

Allele frequency attached by ClinVar (database versions not stated): gnomAD exomes below 0.00001.
gnomAD v4.1: 5 of 1,614,054 alleles (0.00031%); highest among the groups gnomAD compares: South Asian, 0.0055%; no homozygotes.

Submission:

Labcorp Genetics (formerly Invitae), Labcorp
Classification: Uncertain significance. Last evaluated: 2024-02-26. Review status: criteria provided, single submitter. Criteria: Invitae Variant Classification Sherloc (09022015). Collection method: clinical testing. Allele origin: germline.
Comment: This sequence change replaces glycine, which is neutral and non-polar, with alanine, which is neutral and non-polar, at codon 325 of the TAOK2 protein (p.Gly325Ala). This variant is present in population databases (no rsID available, gnomAD 0.003%). This variant has not been reported in the literature in individuals affected with TAOK2-related conditions. ClinVar contains an entry for this variant (Variation ID: 1345080). An algorithm developed to predict the effect of missense changes on protein structure and function (PolyPhen-2) suggests that this variant is likely to be tolerated. In summary, the available evidence is currently insufficient to determine the role of this variant in disease. Therefore, it has been classified as a Variant of Uncertain Significance.

NM_016151.4(TAOK2):c.974G>C (p.Gly325Ala)

Gene: TAOK2 (TAO kinase 2; plus strand). Cytogenetic location: 16p11.2.
Variant type: single nucleotide variant.
Coding change: c.974G>C on transcript NM_016151.4 (MANE Select); coding-DNA position 974, G replaced by C.
Protein change: p.Gly325Ala; replaces glycine 325 with alanine.
Molecular consequence: missense variant.
Genome position (GRCh38, 1-based): chr16:29,982,876, G>C. VCF-style: chr16-29982876-G-C. GRCh37 (hg19) VCF-style: chr16-29994197-G-C.
Other names: c.974G>C, p.Gly325Ala (NM_001252043.2, NM_004783.4); short protein forms G325A.
Identifiers: ClinVar variation 1345080 (VCV001345080.6), dbSNP rs1483933331, ClinGen allele CA395475720.